The following is an entry in ClinVar:

NM_001961.4(EEF2):c.791+14_791+15delinsAT

Gene: EEF2 (eukaryotic translation elongation factor 2; minus strand). Cytogenetic location: 19p13.3.
Variant type: Indel.
Coding change: c.791+14_791+15delinsAT on transcript NM_001961.4 (MANE Select); bases 14 to 15 of the intron after coding-DNA position 791, GA replaced by AT.
Molecular consequence: intron variant.
Genome position (GRCh38, 1-based): chr19:3,982,231-3,982,232, TC replaced by AT on the plus strand (GA replaced by AT on the coding strand, the reverse complement: EEF2 is on the minus strand). VCF-style: chr19-3982231-TC-AT. GRCh37 (hg19) VCF-style: chr19-3982229-TC-AT.
Identifiers: ClinVar variation 2971147 (VCV002971147.3), dbSNP rs2512205171, ClinGen allele CA2740091850.

ClinVar aggregate classification (germline): Uncertain significance (1 of 4 stars; one submission).

Submission:

Labcorp Genetics (formerly Invitae), Labcorp
Classification: Uncertain significance. Last evaluated: 2023-11-15. Review status: criteria provided, single submitter. Criteria: Invitae Variant Classification Sherloc (09022015). Collection method: clinical testing. Allele origin: germline.
Comment: This sequence change falls in intron 5 of the EEF2 gene. It does not directly change the encoded amino acid sequence of the EEF2 protein. Information on the frequency of this variant in the gnomAD database is not available, as this variant may be reported differently in the database. This variant has not been reported in the literature in individuals affected with EEF2-related conditions. Experimental studies and prediction algorithms are not available or were not evaluated, and the effect of this variant on mRNA splicing is currently unknown. In summary, the available evidence is currently insufficient to determine the role of this variant in disease. Therefore, it has been classified as a Variant of Uncertain Significance.